The following is an entry in ClinVar:

NC_000014.8:g.(?_21766946)_(21770647_?)del

Gene: RPGRIP1 (RPGR interacting protein 1; plus strand). Cytogenetic location: 14q11.2.
Variant type: Deletion.
Identifiers: ClinVar variation 3243983 (VCV003243983.1).

ClinVar aggregate classification (germline): Likely pathogenic (1 of 4 stars; one submission).

Conditions:
Leber congenital amaurosis 6 (LCA6). Identifiers: Orphanet 65, MedGen C1854260, MONDO:0013446, OMIM 613826.
Cone-rod dystrophy 13 (CORD13). Identifiers: Orphanet 1872, MedGen C2750720, MONDO:0011987, OMIM 608194.

Submission:

Labcorp Genetics (formerly Invitae), Labcorp
Classification: Likely pathogenic for Leber congenital amaurosis 6; Cone-rod dystrophy 13. Last evaluated: 2020-06-23. Review status: criteria provided, single submitter. Criteria: Invitae Variant Classification Sherloc (09022015). Collection method: clinical testing. Allele origin: unknown.
Comment: In summary, the currently available evidence indicates that the variant is pathogenic, but additional data are needed to prove that conclusively. Therefore, this variant has been classified as Likely Pathogenic. Loss-of-function variants in RPGRIP1 are known to be pathogenic (PMID: 11528500, 23105016). This variant has not been reported in the literature in individuals with RPGRIP1-related conditions. This variant results in the deletion of exon 3 and part of exon 4 (c.219-2179_491del) of the RPGRIP1 gene. It is expected to disrupt RNA splicing and likely results in an absent or disrupted protein product.

Literature cited by the submitters: PubMed 11528500; PubMed 23105016.